The following is an entry in ClinVar:

NM_017654.4(SAMD9):c.2657T>G (p.Met886Arg)

Gene: SAMD9 (sterile alpha motif domain containing 9; minus strand). Cytogenetic location: 7q21.2.
Variant type: single nucleotide variant.
Coding change: c.2657T>G on transcript NM_017654.4 (MANE Select); coding-DNA position 2657, T replaced by G.
Protein change: p.Met886Arg; replaces methionine 886 with arginine.
Molecular consequence: missense variant.
Genome position (GRCh38, 1-based): chr7:93,103,441, A>C on the plus strand (T>G on the coding strand, the complement: SAMD9 is on the minus strand). VCF-style: chr7-93103441-A-C. GRCh37 (hg19) VCF-style: chr7-92732754-A-C.
Other names: c.2657T>G, p.Met886Arg (NM_001193307.2); c.2657T>G (NM_017654.3); short protein forms M886R.
Identifiers: ClinVar variation 2158136 (VCV002158136.7), dbSNP rs756267675, ClinGen allele CA4342803.

ClinVar aggregate classification (germline): Uncertain significance. Review status: criteria provided, multiple submitters, no conflicts (2 of 4 stars). 5 submissions from 5 submitters: Uncertain significance (5). Last evaluated 2026-08-28.

Conditions:
SAMD9-related disorder. Also called: SAMD9-related condition.
Inborn genetic diseases. Identifiers: MedGen C0950123, MeSH D030342.

Allele frequency attached by ClinVar (database versions not stated): gnomAD 0.00001; ExAC 0.00003; TOPMed 0.00003.
gnomAD v4.1: 33 of 1,613,116 alleles (0.002%); highest among the groups gnomAD compares: Non-Finnish European, 0.0026%; no homozygotes.

Submissions (5):

PreventionGenetics, part of Exact Sciences
Classification: Uncertain significance for SAMD9-related condition. Last evaluated: 2026-08-28. Review status: criteria provided, single submitter. Criteria: ACMG Guidelines, 2015. Collection method: clinical testing. Allele origin: germline.
Comment: The SAMD9 c.2657T>G variant is predicted to result in the amino acid substitution p.Met886Arg. To our knowledge, this variant has not been reported in the literature. This variant is reported in 0.0044% of alleles in individuals of European (Non-Finnish) descent in gnomAD and is classified as uncertain in ClinVar (Variation ID: 2158136). At this time, the clinical significance of this variant is uncertain due to the absence of conclusive functional and genetic evidence.

Labcorp Genetics (formerly Invitae), Labcorp
Classification: Uncertain significance. Last evaluated: 2025-07-27. Review status: criteria provided, single submitter. Criteria: Invitae Variant Classification Sherloc (09022015). Collection method: clinical testing. Allele origin: germline.
Comment: This sequence change replaces methionine, which is neutral and non-polar, with arginine, which is basic and polar, at codon 886 of the SAMD9 protein (p.Met886Arg). This variant is present in population databases (rs756267675, gnomAD 0.005%). This variant has not been reported in the literature in individuals affected with SAMD9-related conditions. ClinVar contains an entry for this variant (Variation ID: 2158136). Invitae Evidence Modeling of protein sequence and biophysical properties (such as structural, functional, and spatial information, amino acid conservation, physicochemical variation, residue mobility, and thermodynamic stability) has been performed for this missense variant. However, the output from this modeling did not meet the statistical confidence thresholds required to predict the impact of this variant on SAMD9 protein function. In summary, the available evidence is currently insufficient to determine the role of this variant in disease. Therefore, it has been classified as a Variant of Uncertain Significance.

Ambry Genetics
Classification: Uncertain significance for Inborn genetic diseases. Last evaluated: 2024-11-25. Review status: criteria provided, single submitter. Criteria: Ambry Variant Classification Scheme 2023. Collection method: clinical testing. Allele origin: germline.
Comment: The p.M886R variant (also known as c.2657T>G), located in coding exon 1 of the SAMD9 gene, results from a T to G substitution at nucleotide position 2657. The methionine at codon 886 is replaced by arginine, an amino acid with similar properties. This amino acid position is conserved. In addition, the in silico prediction for this alteration is inconclusive. Based on the available evidence, the clinical significance of this variant remains unclear.

Blueprint Genetics
Classification: Uncertain significance. Last evaluated: 2024-11-18. Review status: criteria provided, single submitter. Criteria: ACMG Guidelines, 2015. Collection method: clinical testing. Allele origin: germline.

GeneDx
Classification: Uncertain significance. Last evaluated: 2023-11-14. Review status: criteria provided, single submitter. Criteria: GeneDx Variant Classification Process June 2021. Collection method: clinical testing. Allele origin: germline. Affected: yes.
Comment: Not observed at significant frequency in large population cohorts (gnomAD); In silico analysis supports that this missense variant has a deleterious effect on protein structure/function; Has not been previously published as pathogenic or benign to our knowledge; This variant is associated with the following publications: (PMID: 28545555)